The following is an entry in ClinVar:

NM_002693.3(POLG):c.2021G>A (p.Gly674Asp)

Gene: POLG (DNA polymerase gamma, catalytic subunit; minus strand). Cytogenetic location: 15q26.1.
Variant type: single nucleotide variant.
Coding change: c.2021G>A on transcript NM_002693.3 (MANE Select); coding-DNA position 2021, G replaced by A.
Protein change: p.Gly674Asp; replaces glycine 674 with aspartic acid.
Molecular consequence: missense variant.
Genome position (GRCh38, 1-based): chr15:89,324,156, C>T on the plus strand (G>A on the coding strand, the complement: POLG is on the minus strand). VCF-style: chr15-89324156-C-T. GRCh37 (hg19) VCF-style: chr15-89867387-C-T.
Other names: p.G674D:GGC>GAC; c.2021G>A, p.Gly674Asp (NM_001126131.2); short protein forms G674D.
Identifiers: ClinVar variation 206462 (VCV000206462.59), dbSNP rs200257554, ClinGen allele CA316585.

ClinVar aggregate classification (germline): Conflicting classifications of pathogenicity. Review status: criteria provided, conflicting classifications (1 of 4 stars). 10 submissions from 10 submitters: Uncertain significance (4); Likely benign (5). 1 of the submissions does not count toward it. Last evaluated 2026-01-24.

Conditions:
Progressive sclerosing poliodystrophy (MTDPS4A). Also called: Mitochondrial DNA depletion syndrome 4A (Alpers type); Mitochondrial DNA Depletion Syndrome 4A; ALPERS PROGRESSIVE INFANTILE POLIODYSTROPHY; Alpers-Huttenlocher Syndrome; Alpers Syndrome; ALPERS DIFFUSE DEGENERATION OF CEREBRAL GRAY MATTER WITH HEPATIC CIRRHOSIS. Identifiers: Orphanet 726, MedGen C0205710, MONDO:0008758, OMIM 203700.
Inborn genetic diseases. Identifiers: MedGen C0950123, MeSH D030342.
Progressive external ophthalmoplegia with mitochondrial DNA deletions, autosomal dominant 1 (PEOA1). Also called: PROGRESSIVE EXTERNAL OPHTHALMOPLEGIA, AUTOSOMAL DOMINANT 1; Autosomal Dominant Progressive External Ophthalmoplegia (adPEO). Identifiers: MedGen C1834846, MONDO:0024528, OMIM 157640.
Progressive external ophthalmoplegia with mitochondrial DNA deletions, autosomal recessive 1 (PEOB1). Also called: Progressive external ophthalmoplegia, autosomal recessive 1; Autosomal Recessive Progressive External Ophthalmoplegia (arPEO). Identifiers: Orphanet 254886, MedGen C4225153, MONDO:0009783, OMIM 258450.
Sensory ataxic neuropathy, dysarthria, and ophthalmoparesis (SANDO). Also called: Sensory ataxic neuropathy-dysarthria-ophthalmoparesis syndrome; Ataxia Neuropathy Spectrum (ANS); SENSORY ATAXIC NEUROPATHY WITH MITOCHONDRIAL DNA DELETIONS, AUTOSOMAL RECESSIVE; Epilepsy, progressive myoclonic, type 5. Identifiers: Orphanet 70595, MedGen C1843851, MONDO:0011835, OMIM 607459.
Mitochondrial DNA depletion syndrome 4b. Also called: Mitochondrial Neurogastrointestinal Encephalopathy Disease, POLG-Related; MNGIE, POLG-RELATED. Identifiers: Orphanet 298, MedGen C3150914, MONDO:0013350, OMIM 613662.
POLG-related disorder. Also called: POLG-Related Spectrum Disorders; POLG-related condition; POLG-Related Disorders. Identifiers: MedGen C4763519.

Allele frequency attached by ClinVar (database versions not stated): ESP Exome Variant Server 0.00008; gnomAD 0.00017; TOPMed 0.00019; gnomAD exomes 0.00030 and 0.00061; ExAC 0.00055.
gnomAD v4.1: 483 of 1,613,856 alleles (0.03%); highest among the groups gnomAD compares: South Asian, 0.19%; 3 homozygotes.

Submissions (10):

Labcorp Genetics (formerly Invitae), Labcorp
Classification: Likely benign for Progressive sclerosing poliodystrophy. Last evaluated: 2026-01-24. Review status: criteria provided, single submitter. Criteria: Invitae Variant Classification Sherloc (09022015). Collection method: clinical testing. Allele origin: germline.

Blueprint Genetics
Classification: Likely benign. Last evaluated: 2024-09-23. Review status: criteria provided, single submitter. Criteria: ACMG Guidelines, 2015. Collection method: clinical testing. Allele origin: germline.

CeGaT Center for Human Genetics Tuebingen
Classification: Uncertain significance. Last evaluated: 2022-03-01. Review status: criteria provided, single submitter. Criteria: CeGaT Center For Human Genetics Tuebingen Variant Classification Criteria Version 2. Collection method: clinical testing. Allele origin: germline. Affected: yes. Observed: 1 variant allele.

GeneDx
Classification: Likely benign. Last evaluated: 2020-12-07. Review status: criteria provided, single submitter. Criteria: GeneDx Variant Classification Process June 2021. Collection method: clinical testing. Allele origin: germline. Affected: yes.
Comment: This variant is associated with the following publications: (PMID: 26557169)

Wong Mito Lab, Molecular and Human Genetics, Baylor College of Medicine
Classification: Likely benign for Progressive sclerosing poliodystrophy. Last evaluated: 2018-10-01. Review status: criteria provided, single submitter. Criteria: ACMG Guidelines, 2015. Collection method: clinical testing. Allele origin: germline.
Comment: The NM_002693.2:c.2021G>A (NP_002684.1:p.Gly674Asp) [GRCH38: NC_000015.10:g.89324156C>T] variant in POLG gene is interpretated to be a Likely Benign based on ACMG guidelines (PMID: 25741868). This variant meets the following evidence codes reported in the ACMG-guideline. BS1:The minor allele frequency of this allele is high for Mitochondrial DNA depletion syndrome 4A (Alpers type). BP4:Computational evidence/predictors indicate no impact on the POLG structure, function, or protein-protein interaction. BP7:The variant is silent with non predicted splice impact. Based on the evidence criteria codes applied, the variant is suggested to be Likely Benign.

Eurofins Ntd Llc (ga)
Classification: Likely benign. Last evaluated: 2018-05-07. Review status: criteria provided, single submitter. Criteria: EGL ClinVar v180209 classification definitions. Collection method: clinical testing. Allele origin: germline. Observed: 1 variant allele, 1 heterozygote.

Ambry Genetics
Classification: Uncertain significance for Inborn genetic diseases. Last evaluated: 2017-12-15. Review status: criteria provided, single submitter. Criteria: Ambry Variant Classification Scheme 2023. Collection method: clinical testing. Allele origin: germline.
Comment: The p.G674D variant (also known as c.2021G>A), located in coding exon 10 of the POLG gene, results from a G to A substitution at nucleotide position 2021. The glycine at codon 674 is replaced by aspartic acid, an amino acid with similar properties. The p.G674D alteration was also detected in the individual's father. This amino acid position is not well conserved in available vertebrate species. In addition, the in silico prediction for this alteration is inconclusive. Since supporting evidence is limited at this time, the clinical significance of this alteration remains unclear.

Illumina Laboratory Services, Illumina
Classification: Uncertain significance for POLG-Related Spectrum Disorders. Last evaluated: 2017-04-27. Review status: criteria provided, single submitter. Criteria: ICSL Variant Classification Criteria 13 December 2019. Collection method: clinical testing. Allele origin: germline.

Center for Genomics, Ann and Robert H. Lurie Children's Hospital of Chicago
Classification: Uncertain significance for Sensory ataxic neuropathy, dysarthria, and ophthalmoparesis; Mitochondrial DNA depletion syndrome 4b; Progressive sclerosing poliodystrophy; Progressive external ophthalmoplegia with mitochondrial DNA deletions, autosomal dominant 1; Progressive external ophthalmoplegia with mitochondrial DNA deletions, autosomal recessive 1. Review status: criteria provided, single submitter. Criteria: ACMG Guidelines, 2015. Collection method: clinical testing. Allele origin: germline.
Comment: POLG NM_002693 exon 11 p.Gly674Asp (c.2021G>A): This variant has not been reported in the literature but is present in 0.1% (55/30782) of South Asian individuals in the Genome Aggregation Database. This variant is present in ClinVar (Variation ID:206462). This variant Aspartic Acid (Asp) is present in >5 species (including mammals) and is not well conserved among evolutionarily distant species; this suggests that this variant may not impact the protein. Additional computational prediction tools do not suggest an impact. In summary, data on this variant is insufficient for disease classification. Therefore, the clinical significance of this variant is uncertain.

PreventionGenetics, part of Exact Sciences
Classification: Likely benign for POLG-related condition. Last evaluated: 2022-04-26. Review status: no assertion criteria provided. Collection method: clinical testing. Allele origin: germline. Not counted in ClinVar's aggregate classification.
Comment: This variant is classified as likely benign based on ACMG/AMP sequence variant interpretation guidelines (Richards et al. 2015 PMID: 25741868, with internal and published modifications).

Literature cited by the submitters: PubMed 26557169 (cited by Ambry Genetics).